The following is an entry in ClinVar:

ClinVar aggregate classification (germline): Benign/Likely benign (0 of 4 stars; one submission).

Submission:

ISCA Site 6
Classification: Benign/Likely benign. Review status: no assertion criteria provided. Collection method: clinical testing. Allele origin: unknown. Affected: yes. Observed: 2 variant alleles.
Comment: Likely benign (1), Benign (1)

Copy number variation identified through the course of routine clinical cytogenomic testing in postnatal populations, with clinical assertions as classified by the original submitter. For data from the original published study, Kaminsky, et al. 2011 (PubMed 21844811), please see nstd101.

GRCh37/hg19 16q23.3(chr16:83986845-84014686)x3

Genes: NECAB2 (N-terminal EF-hand calcium binding protein 2; plus strand), OSGIN1 (oxidative stress induced growth inhibitor 1; plus strand). Cytogenetic location: 16q23.3.
Variant type: copy number gain.
Change: copy number 3 (three copies instead of two) of chr16:83,986,845-84,014,686 (27.8 kb, GRCh37 coordinates, 1-based), cytogenetic band 16q23.3.
Identifiers: ClinVar variation 394435 (VCV000394435.3).